The following is an entry in ClinVar:

ClinVar aggregate classification (germline): Uncertain significance. Review status: criteria provided, multiple submitters, no conflicts (2 of 4 stars). 3 submissions from 3 submitters: Uncertain significance (2). 1 of the submissions does not count toward it. Last evaluated 2020-11-04.

Conditions:
TTN-related disorder. Also called: TTN-related condition; TTN-related disease; TTN-related disorders.
Dilated cardiomyopathy 1G (CMD1G). Identifiers: Orphanet 154, MedGen C1858763, MONDO:0011400, OMIM 604145.
Autosomal recessive limb-girdle muscular dystrophy type 2J (LGMDR10). Also called: MUSCULAR DYSTROPHY, LIMB-GIRDLE, AUTOSOMAL RECESSIVE 10; Limb-girdle muscular dystrophy, type 2J. Identifiers: Orphanet 140922, MedGen C1837342, MONDO:0012127, OMIM 608807.

Allele frequency attached by ClinVar (database versions not stated): gnomAD exomes 0.00001; ExAC 0.00002; gnomAD 0.00004; TOPMed 0.00005; ESP Exome Variant Server 0.00025.
gnomAD v4.1: 14 of 1,594,272 alleles (0.00088%); highest among the groups gnomAD compares: African/African-American, 0.016%; no homozygotes.

Submissions (3):

GeneDx
Classification: Uncertain significance. Last evaluated: 2020-11-04. Review status: criteria provided, single submitter. Criteria: GeneDx Variant Classification Process June 2021. Collection method: clinical testing. Allele origin: germline. Affected: yes.
Comment: Not observed at a significant frequency in large population cohorts (Lek et al., 2016); In silico analysis suggests this variant may impact gene splicing; in the absence of RNA/functional studies, the actual effect of this sequence change is unknown; Has not been previously published as pathogenic or benign to our knowledge; This variant is associated with the following publications: (PMID: 23975875, 25589632)

Labcorp Genetics (formerly Invitae), Labcorp
Classification: Uncertain significance for Dilated cardiomyopathy 1G; Autosomal recessive limb-girdle muscular dystrophy type 2J. Last evaluated: 2018-06-08. Review status: criteria provided, single submitter. Criteria: Invitae Variant Classification Sherloc (09022015). Collection method: clinical testing. Allele origin: germline.
Comment: This sequence change replaces alanine with valine at codon 11591 of the TTN protein (p.Ala11591Val). The alanine residue is moderately conserved and there is a small physicochemical difference between alanine and valine. This variant is present in population databases (rs72650052, ExAC 0.02%). This variant has not been reported in the literature in individuals with TTN-related disease. ClinVar contains an entry for this variant (Variation ID: 202591). This variant is located in the I band of TTN (PMID: 25589632). Variants in this region may be relevant for neuromuscular disorders, but have not been definitively shown to cause cardiomyopathy (PMID: 23975875). Algorithms developed to predict the effect of missense changes on protein structure and function are unavailable for the TTN gene.The valine amino acid residue is found in multiple mammalian species, suggesting that this missense change does not adversely affect protein function. These predictions have not been confirmed by published functional studies and their clinical significance is uncertain. Algorithms developed to predict the effect of sequence changes on RNA splicing suggest that this variant may create or strengthen a splice site, but this prediction has not been confirmed by published transcriptional studies. In summary, the available evidence is currently insufficient to determine the role of this variant in disease. Therefore, it has been classified as a Variant of Uncertain Significance.

PreventionGenetics, part of Exact Sciences
Classification: Uncertain significance for TTN-related condition. Last evaluated: 2024-08-10. Review status: no assertion criteria provided. Collection method: clinical testing. Allele origin: germline. Not counted in ClinVar's aggregate classification.
Comment: The TTN c.34772C>T variant is predicted to result in the amino acid substitution p.Ala11591Val. To our knowledge, this variant has not been reported in the literature. This variant is reported in 0.014% of alleles in individuals of African descent in gnomAD. At this time, the clinical significance of this variant is uncertain due to the absence of conclusive functional and genetic evidence.

Literature cited by the submitters: PubMed 25589632 (cited by Labcorp Genetics (formerly Invitae), Labcorp); PubMed 23975875 (cited by Labcorp Genetics (formerly Invitae), Labcorp).

NM_001267550.2(TTN):c.34772C>T (p.Ala11591Val)

Gene: TTN (titin; minus strand). Cytogenetic location: 2q31.2.
Variant type: single nucleotide variant.
Coding change: c.34772C>T on transcript NM_001267550.2 (MANE Select); coding-DNA position 34772, C replaced by T.
Protein change: p.Ala11591Val; replaces alanine 11591 with valine.
Molecular consequence: missense variant. On other transcripts: intron variant (3).
Genome position (GRCh38, 1-based): chr2:178,673,647, G>A on the plus strand (C>T on the coding strand, the complement: TTN is on the minus strand). VCF-style: chr2-178673647-G-A. GRCh37 (hg19) VCF-style: chr2-179538374-G-A.
Other names: p.A11217V:GCA>GTA; c.33650C>T, p.Ala11217Val (NM_001256850.1); c.30869C>T, p.Ala10290Val (NM_133378.4); c.13283-31330C>T (NM_003319.4); c.13859-31330C>T (NM_133437.4); c.13658-31330C>T (NM_133432.3); short protein forms A11217V, A11591V, A10290V.
Identifiers: ClinVar variation 202591 (VCV000202591.6), dbSNP rs72650052, ClinGen allele CA309689.